The following is an entry in ClinVar:

ClinVar aggregate classification (germline): Uncertain significance (1 of 4 stars; one submission).

Submission:

Ambry Genetics
Classification: Uncertain significance. Last evaluated: 2026-09-14. Review status: criteria provided, single submitter. Criteria: Ambry Variant Classification Scheme 2023. Collection method: clinical testing. Allele origin: germline.
Comment: The p.T118A variant (also known as c.352A>G), located in coding exon 4 of the NEBL gene, results from an A to G substitution at nucleotide position 352. The threonine at codon 118 is replaced by alanine, an amino acid with similar properties. This amino acid position is conserved. In addition, this alteration is predicted to be tolerated by in silico analysis. Based on the available evidence, the clinical significance of this variant remains unclear.

NM_006393.3(NEBL):c.352A>G (p.Thr118Ala)

Gene: NEBL (nebulette; minus strand). Cytogenetic location: 10p12.31.
Variant type: single nucleotide variant.
Coding change: c.352A>G on transcript NM_006393.3 (MANE Select); coding-DNA position 352, A replaced by G.
Protein change: p.Thr118Ala; replaces threonine 118 with alanine.
Molecular consequence: missense variant. On other transcripts: intron variant (9).
Genome position (GRCh38, 1-based): chr10:20,888,114, T>C on the plus strand (A>G on the coding strand, the complement: NEBL is on the minus strand). VCF-style: chr10-20888114-T-C. GRCh37 (hg19) VCF-style: chr10-21177043-T-C.
Other names: c.249+73558A>G (NM_001377326.1, NM_001377327.1, NM_001377328.1); c.357+73558A>G (NM_213569.2, NM_001173484.2, NM_001377322.1); c.300+73558A>G (NM_001377324.1); c.291+73558A>G (NM_001377325.1); c.309+73558A>G (NM_001377323.1); short protein forms T118A.
Identifiers: ClinVar variation 5025472 (VCV005025472.1).
Genomic context (GRCh38, chr10:20,888,114, plus strand): 5'-TGTTTTATCTACAAAATCATGAAACACTTTAGAAAAACCCTACCTCACTCTGGAGCTGTG[T>C]AACTTCTCCTGCAAAAACACTGTCAATTGTGGCTGGCATCCGCTTATAAAGAGAATTAGA-3'
Protein context (NP_006384.1, residues 108-128): TIDSVFAGEV[Thr118Ala]QLQSEVAYKQ